The following is an entry in ClinVar:

ClinVar aggregate classification (germline): Uncertain significance (1 of 4 stars; one submission).

Submission:

Labcorp Genetics (formerly Invitae), Labcorp
Classification: Uncertain significance. Last evaluated: 2021-10-03. Review status: criteria provided, single submitter. Criteria: Invitae Variant Classification Sherloc (09022015). Collection method: clinical testing. Allele origin: germline.
Comment: In summary, the available evidence is currently insufficient to determine the role of this variant in disease. Therefore, it has been classified as a Variant of Uncertain Significance. This variant has not been reported in the literature in individuals affected with TNFAIP3-related conditions. This variant is a gross deletion of the genomic region encompassing exon(s) 8-9 of the TNFAIP3 gene, which includes the termination codon. This deletion extends beyond the assayed region for this gene and therefore may encompass additional genes. While this deletion is not anticipated to lead to nonsense mediated decay, it is expected to alter mRNA translation or result in a truncated protein product.

NC_000006.11:g.(?_138201188)_(138202456_?)del

Gene: TNFAIP3 (TNF alpha induced protein 3; plus strand). Cytogenetic location: 6q23.3.
Variant type: Deletion.
Identifiers: ClinVar variation 1442968 (VCV001442968.4).